The following is an entry in ClinVar:

NM_024312.5(GNPTAB):c.1123C>T (p.Arg375Ter)

Gene: GNPTAB (N-acetylglucosamine-1-phosphate transferase subunits alpha and beta; minus strand). Cytogenetic location: 12q23.2.
Variant type: single nucleotide variant.
Coding change: c.1123C>T on transcript NM_024312.5 (MANE Select); coding-DNA position 1123, C replaced by T.
Protein change: p.Arg375Ter; replaces arginine 375 with a stop codon.
Molecular consequence: nonsense.
Genome position (GRCh38, 1-based): chr12:101,770,182, G>A on the plus strand (C>T on the coding strand, the complement: GNPTAB is on the minus strand). VCF-style: chr12-101770182-G-A. GRCh37 (hg19) VCF-style: chr12-102163960-G-A.
Other names: short protein forms R375*.
Identifiers: ClinVar variation 39022 (VCV000039022.33), dbSNP rs397507447, ClinGen allele CA223750.

ClinVar aggregate classification (germline): Pathogenic. Review status: criteria provided, multiple submitters, no conflicts (2 of 4 stars). 14 submissions from 14 submitters: Pathogenic (12). 2 of the submissions do not count toward it. Last evaluated 2026-09-20.

Conditions:
GNPTAB-Related Disorders. Also called: GNPTAB-related condition; GNPTAB-related disorder. Identifiers: MedGen CN381523.
Mucolipidosis type II. Also called: Mucolipidosis II Alpha/Beta; ML II ALPHA/BETA; Mucolipidosis 2; ML 2; Inclusion cell disease; Leroy Disease. Identifiers: Orphanet 576, MedGen C2673377, MONDO:0009650, OMIM 252500.
Pseudo-Hurler polydystrophy. Also called: Type III Mucolipidosis; Mucolipidosis III Alpha/Beta; MUCOLIPIDOSIS IIIA; ML IIIA; ML III; ML III ALPHA/BETA. Identifiers: Orphanet 423461, Orphanet 577, MedGen C0033788, MONDO:0018931, OMIM 252600.

Allele frequency attached by ClinVar (database versions not stated): gnomAD 0.00009 and 0.00007; TOPMed 0.00001; ExAC 0.00006.
gnomAD v4.1: 68 of 1,613,932 alleles (0.0042%); highest among the groups gnomAD compares: Non-Finnish European, 0.0053%; no homozygotes.

Submissions (14):

GeneDx
Classification: Pathogenic. Last evaluated: 2026-09-20. Review status: criteria provided, single submitter. Criteria: GeneDx Variant Classification Process June 2021. Collection method: clinical testing. Allele origin: germline.
Comment: Nonsense variant predicted to result in protein truncation or nonsense mediated decay in a gene for which loss of function is a known mechanism of disease; This variant is associated with the following publications: (PMID: 25525159, 21228398, 31618753, 31589614, 19634183)

CeGaT Center for Human Genetics Tuebingen
Classification: Pathogenic. Last evaluated: 2026-03-01. Review status: criteria provided, single submitter. Criteria: CeGaT Center For Human Genetics Tuebingen Variant Classification Criteria Version 2. Collection method: clinical testing. Allele origin: germline. Affected: yes. Observed: 1 variant allele.
Comment: GNPTAB: PVS1, PM3:Strong, PM2

Labcorp Genetics (formerly Invitae), Labcorp
Classification: Pathogenic for Pseudo-Hurler polydystrophy; Mucolipidosis type II. Last evaluated: 2025-12-22. Review status: criteria provided, single submitter. Criteria: Invitae Variant Classification Sherloc (09022015). Collection method: clinical testing. Allele origin: germline.
Comment: This sequence change creates a premature translational stop signal (p.Arg375*) in the GNPTAB gene. It is expected to result in an absent or disrupted protein product. Loss-of-function variants in GNPTAB are known to be pathogenic (PMID: 19617216, 25107912). This variant is present in population databases (rs397507447, gnomAD 0.02%). This premature translational stop signal has been observed in individuals with mucolipidosis type II and type III (PMID: 19617216). ClinVar contains an entry for this variant (Variation ID: 39022). For these reasons, this variant has been classified as Pathogenic.

Natera, Inc.
Classification: Pathogenic for Mucolipidosis type II. Last evaluated: 2025-10-06. Review status: criteria provided, single submitter. Criteria: Natera Variant Classification Schema (03/2026). Collection method: clinical testing. Allele origin: germline.
Comment: The c.1123C>T variant in GNPTAB is a nonsense variant predicted to introduce a stop codon at amino acid 375. This variant is expected to result in nonsense mediated decay, truncation, or a dysfunctional protein product. This variant is rare in the general population with a frequency below the threshold expected for the associated phenotype(s). This variant has been observed in one or more individuals affected with the associated recessive disease, as either homozygous or compound heterozygous with a second variant (PMID: 19634183, 19617216). Given the available evidence, this variant is classified as Pathogenic.

Laboratory of Genetics, Children's Clinical University Hospital Latvia
Classification: Pathogenic. Last evaluated: 2025-02-16. Review status: criteria provided, single submitter. Criteria: ACMG Guidelines, 2015. Collection method: clinical testing. Allele origin: germline. Affected: yes.

Fulgent Genetics
Classification: Pathogenic for Mucolipidosis type II; Pseudo-Hurler polydystrophy. Last evaluated: 2024-01-02. Review status: criteria provided, single submitter. Criteria: ACMG Guidelines, 2015. Collection method: clinical testing. Allele origin: germline.

Illumina Laboratory Services, Illumina
Classification: Pathogenic for GNPTAB-Related Disorders. Last evaluated: 2022-04-21. Review status: criteria provided, single submitter. Criteria: ICSLVariantClassificationCriteria RUGD 01 April 2020. Collection method: clinical testing. Allele origin: unknown.
Comment: The GNPTAB c.1123C>T (p.Arg375Ter) nonsense variant results in the substitution of arginine at amino acid position 375 with a stop codon. Loss of normal protein function through either protein truncation or nonsense mediated decay is expected. Across a selection of the literature, the c.1123C>T variant has been reported in a compound heterozygous state in at least six individuals with biochemically confirmed mucolipidosis II (ML II) or mucolipidosos III alpha/beta, and in a homozygous state in at least one individual with ML II (Tappino et al. 2009; Cathey et al. 2010; Cury et al. 2013; Retterer et al. 2016). The c.1123C>T variant is reported at a frequency of 0.0001705 in the European (non-Finnish) population of the Genome Aggregation Database (version 2.1.1). Based on the available evidence, the c.1123C>T (p.Arg375Ter) variant is classified as pathogenic for GNPTAB-related disorders.

Blueprint Genetics
Classification: Pathogenic for GNPTAB-related disorders. Last evaluated: 2022-02-21. Review status: criteria provided, single submitter. Criteria: ACMG Guidelines, 2015. Collection method: clinical testing. Allele origin: germline. Affected: yes. Observed: 5 variant alleles.

Women's Health and Genetics/Laboratory Corporation of America, LabCorp
Classification: Pathogenic for Mucolipidosis type II. Last evaluated: 2017-06-15. Review status: criteria provided, single submitter. Criteria: LabCorp Variant Classification Summary - May 2015. Collection method: clinical testing. Allele origin: germline.
Comment: Variant summary: The GNPTAB c.1123C>T (p.Arg375X) variant results in a premature termination codon, predicted to cause a truncated or absent GNPTAB protein due to nonsense mediated decay, which are commonly known mechanisms for disease. Truncations downstream of this position have been classified as pathogenic by our laboratory (e.g. c.1581delC, p.Cys528fsX19; c.2693delA, p.Lys898fsX13). One in silico tool predicts a damaging outcome for this variant. This variant was found in 7/121384 control chromosomes at a frequency of 0.0000577, which does not exceed the estimated maximal expected allele frequency of a pathogenic GNPTAB variant (0.0022361). The variant has been reported in multiple affected individuals in the literature both as homozygote and compound heterozygotes, and was shown in an in vitro study to produce a much smaller protein of about 50kDa in size, consistent with the synthesis of a severely truncated protein product that is unlikely to have retained any functional activity (Tappino_2009). In addition, multiple clinical diagnostic laboratories/reputable databases classified this variant as pathogenic. Taken together, this variant is classified as pathogenic.

Eurofins Ntd Llc (ga)
Classification: Pathogenic. Last evaluated: 2013-02-20. Review status: criteria provided, single submitter. Criteria: EGL Classification Definitions. Collection method: clinical testing. Allele origin: germline. Observed: 3 variant alleles, 2 heterozygotes, 1 homozygote.

Juno Genomics, Hangzhou Juno Genomics, Inc
Classification: Pathogenic for Mucolipidosis type II; Pseudo-Hurler polydystrophy. Review status: criteria provided, single submitter. Criteria: ACMG Guidelines, 2015. Collection method: clinical testing. Allele origin: germline.
Comment: Absent from controls (or at extremely low frequency if recessive) in Genome Aggregation Database.;Null variant in a gene where loss of function (LOF) is a known mechanism of disease.;For recessive disorders, detected in trans with a pathogenic variant.

Neuberg Centre For Genomic Medicine, NCGM
Classification: Pathogenic for Mucolipidosis type II. Review status: criteria provided, single submitter. Criteria: ACMG Guidelines, 2015. Collection method: clinical testing. Allele origin: germline. Inheritance: Autosomal recessive inheritance. Affected: yes.
Comment: The above variant has been previously reported in individuals with Mucolipidosis II alpha/beta disorder (Tappino B, et al., 2009; Cathey SS, et al., 2010). Loss-of-function variants in GNPTAB are known to be pathogenic (Cathey SS, et al.,2010). For these reason, this variant has been classifed as Pathogenic

Counsyl
Classification: Pathogenic for Pseudo-Hurler polydystrophy. Last evaluated: 2017-09-28. Review status: no assertion criteria provided. Collection method: clinical testing. Allele origin: unknown. Not counted in ClinVar's aggregate classification.

GeneReviews
No classification provided. Condition: Mucolipidosis type II. Review status: no classification provided. Collection method: literature only. Allele origin: unknown. Not counted in ClinVar's aggregate classification.

Literature cited by the submitters: PubMed 19617216 (cited by 5 submitters); PubMed 25107912 (cited by Labcorp Genetics (formerly Invitae), Labcorp); PubMed 19634183 (cited by 3 submitters); PubMed 23566849 (cited by Illumina Laboratory Services, Illumina and Women's Health and Genetics/Laboratory Corporation of America, LabCorp); PubMed 26633542 (cited by Illumina Laboratory Services, Illumina); PubMed 20886637 (cited by Women's Health and Genetics/Laboratory Corporation of America, LabCorp); PubMed 20301728 (cited by GeneReviews); NCBI Bookshelf NBK1828 (cited by GeneReviews).